The following is an entry in ClinVar:

ClinVar aggregate classification (germline): Uncertain significance (1 of 4 stars; one submission).

Conditions:
Inborn genetic diseases. Identifiers: MedGen C0950123, MeSH D030342.

gnomAD v4.1: 2 of 1,612,666 alleles (0.00012%); highest among the groups gnomAD compares: Non-Finnish European, 0.00017%; no homozygotes.

Submission:

Ambry Genetics
Classification: Uncertain significance for Inborn genetic diseases. Last evaluated: 2024-11-27. Review status: criteria provided, single submitter. Criteria: Ambry Variant Classification Scheme 2023. Collection method: clinical testing. Allele origin: germline.
Comment: The p.A1081V variant (also known as c.3242C>T), located in coding exon 31 of the RTEL1 gene, results from a C to T substitution at nucleotide position 3242. The alanine at codon 1081 is replaced by valine, an amino acid with similar properties. This amino acid position is conserved. In addition, this alteration is predicted to be tolerated by in silico analysis. Based on the available evidence, the clinical significance of this variant remains unclear.

NM_001283009.2(RTEL1):c.3242C>T (p.Ala1081Val)

Genes: RTEL1 (regulator of telomere elongation helicase 1; plus strand), RTEL1-TNFRSF6B (RTEL1-TNFRSF6B readthrough (NMD candidate); plus strand). Cytogenetic location: 20q13.33.
Variant type: single nucleotide variant.
Coding change: c.3242C>T on transcript NM_001283009.2 (MANE Select); coding-DNA position 3242, C replaced by T.
Protein change: p.Ala1081Val; replaces alanine 1081 with valine.
Molecular consequence: missense variant. On other transcripts: non-coding transcript variant (1).
Genome position (GRCh38, 1-based): chr20:63,694,873, C>T. VCF-style: chr20-63694873-C-T. GRCh37 (hg19) VCF-style: chr20-62326226-C-T.
Other names: c.2573C>T, p.Ala858Val (NM_001283010.1); c.3242C>T, p.Ala1081Val (NM_016434.4); c.3314C>T, p.Ala1105Val (NM_032957.5); short protein forms A1081V, A858V, A1105V.
Identifiers: ClinVar variation 3435987 (VCV003435987.1).